The following is an entry in ClinVar:

NM_000548.5(TSC2):c.2709C>A (p.Pro903=)

Gene: TSC2 (TSC complex subunit 2; plus strand). Cytogenetic location: 16p13.3.
Variant type: single nucleotide variant.
Coding change: c.2709C>A on transcript NM_000548.5 (MANE Select); coding-DNA position 2709, C replaced by A.
Protein change: p.Pro903=; no amino-acid change (proline 903 retained).
Molecular consequence: synonymous variant.
Genome position (GRCh38, 1-based): chr16:2,076,137, C>A. VCF-style: chr16-2076137-C-A. GRCh37 (hg19) VCF-style: chr16-2126138-C-A.
Other names: c.2709C>A, p.Pro903= (NM_001077183.3, NM_001114382.3, NM_001363528.2 and 3 more transcripts); c.2598C>A, p.Pro866= (NM_001318827.2); c.2562C>A, p.Pro854= (NM_001318829.2); c.2109C>A, p.Pro703= (NM_001318831.2); c.2742C>A, p.Pro914= (NM_001318832.2).
Identifiers: ClinVar variation 1557997 (VCV001557997.11), dbSNP rs780558633, ClinGen allele CA492953671.

ClinVar aggregate classification (germline): Benign/Likely benign. Review status: criteria provided, multiple submitters, no conflicts (2 of 4 stars). 3 submissions from 3 submitters: Benign (1); Likely benign (2). Last evaluated 2025-05-21.

Conditions:
Hereditary cancer-predisposing syndrome. Also called: Neoplastic Syndromes, Hereditary; Hereditary Cancer Syndrome; Hereditary neoplastic syndrome; Tumor predisposition. Identifiers: Orphanet 140162, MedGen C0027672, MeSH D009386, MONDO:0015356.
Tuberous sclerosis 2 (TSC2). Identifiers: Orphanet 805, MedGen C1860707, MONDO:0013199, OMIM 613254.

Submissions (3):

Myriad Genetics, Inc.
Classification: Benign for Tuberous sclerosis 2. Last evaluated: 2025-05-21. Review status: criteria provided, single submitter. Criteria: Myriad Autosomal Dominant, Autosomal Recessive and X-Linked Classification Criteria (2023). Collection method: clinical testing. Allele origin: unknown.
Comment: This variant is considered benign. This variant is a silent/synonymous amino acid change and it is not expected to impact splicing.

Labcorp Genetics (formerly Invitae), Labcorp
Classification: Likely benign for Tuberous sclerosis 2. Last evaluated: 2023-04-10. Review status: criteria provided, single submitter. Criteria: Invitae Variant Classification Sherloc (09022015). Collection method: clinical testing. Allele origin: germline.

Ambry Genetics
Classification: Likely benign for Hereditary cancer-predisposing syndrome. Last evaluated: 2021-06-02. Review status: criteria provided, single submitter. Criteria: Ambry Variant Classification Scheme 2023. Collection method: clinical testing. Allele origin: germline.